The following is an entry in ClinVar:

ClinVar aggregate classification (germline): Benign. Review status: criteria provided, multiple submitters, no conflicts (2 of 4 stars). 9 submissions from 7 submitters: Benign (9). Last evaluated 2024-11-27.

Conditions:
Brachydactyly type B1 (BDB1). Identifiers: Orphanet 572385, Orphanet 93383, MedGen C1862112, MONDO:0007220, OMIM 113000.
Autosomal recessive Robinow syndrome (RRS1). Also called: ROR2-Related Robinow Syndrome; ROBINOW SYNDROME, AUTOSOMAL RECESSIVE 1; COSTOVERTEBRAL SEGMENTATION DEFECT WITH MESOMELIA; COVESDEM SYNDROME. Identifiers: Orphanet 1507, Orphanet 97360, MedGen C5399974, MONDO:0009999, OMIM 268310.

Allele frequency attached by ClinVar (database versions not stated): gnomAD exomes 0.70284 and 0.73538; ESP Exome Variant Server 0.71974; gnomAD 0.73061 and 0.73170; ExAC 0.73136; TOPMed 0.73433; 1000 Genomes Project 30x 0.75562; 1000 Genomes Project 0.75739.
gnomAD v4.1: 1,136,985 of 1,611,668 alleles (71%); highest among the groups gnomAD compares: East Asian, 94%; 403,778 homozygotes.

Submissions (9):

Blueprint Genetics
Classification: Benign. Last evaluated: 2024-11-27. Review status: criteria provided, single submitter. Criteria: ACMG Guidelines, 2015. Collection method: clinical testing. Allele origin: germline.

Genome-Nilou Lab
Classification: Benign for Brachydactyly type B1. Last evaluated: 2021-11-07. Review status: criteria provided, single submitter. Criteria: ACMG Guidelines, 2015. Collection method: clinical testing. Allele origin: germline. Affected: no.

Genome-Nilou Lab
Classification: Benign for Autosomal recessive Robinow syndrome. Last evaluated: 2021-11-07. Review status: criteria provided, single submitter. Criteria: ACMG Guidelines, 2015. Collection method: clinical testing. Allele origin: germline. Affected: no.

GeneDx
Classification: Benign. Last evaluated: 2018-10-16. Review status: criteria provided, single submitter. Criteria: GeneDx Variant Classification Process June 2021. Collection method: clinical testing. Allele origin: germline. Affected: yes.

Illumina Laboratory Services, Illumina
Classification: Benign for Brachydactyly type B1. Last evaluated: 2018-01-13. Review status: criteria provided, single submitter. Criteria: ICSL Variant Classification Criteria 13 December 2019. Collection method: clinical testing. Allele origin: germline.
Comment: This variant was observed in the ICSL laboratory as part of a predisposition screen in an ostensibly healthy population. It had not been previously curated by ICSL or reported in the Human Gene Mutation Database (HGMD: prior to June 1st, 2018), and was therefore a candidate for classification through an automated scoring system. Utilizing variant allele frequency, disease prevalence and penetrance estimates, and inheritance mode, an automated score was calculated to assess if this variant is too frequent to cause the disease. Based on the score and internal cut-off values, a variant classified as benign is not then subjected to further curation. The score for this variant resulted in a classification of benign for this disease.

Illumina Laboratory Services, Illumina
Classification: Benign for Autosomal recessive Robinow syndrome. Last evaluated: 2018-01-13. Review status: criteria provided, single submitter. Criteria: ICSL Variant Classification Criteria 13 December 2019. Collection method: clinical testing. Allele origin: germline.
Comment: the same text as in the submission from Illumina Laboratory Services, Illumina above.

Eurofins Ntd Llc (ga)
Classification: Benign. Last evaluated: 2016-04-13. Review status: criteria provided, single submitter. Criteria: EGL Classification Definitions 2015. Collection method: clinical testing. Allele origin: germline. Observed: 13 variant alleles, 6 heterozygotes, 7 homozygotes.

Breakthrough Genomics
Classification: Benign. Review status: criteria provided, single submitter. Criteria: ACMG Guidelines, 2015. Collection method: not provided. Allele origin: germline. Inheritance: Autosomal recessive inheritance. Affected: yes.

PreventionGenetics, part of Exact Sciences
Classification: Benign. Review status: criteria provided, single submitter. Criteria: ACMG Guidelines, 2015. Collection method: clinical testing. Allele origin: germline.

NM_004560.4(ROR2):c.*16G>A

Gene: ROR2 (ROR family WNT receptor 2; minus strand). Cytogenetic location: 9q22.31.
Variant type: single nucleotide variant.
Coding change: c.*16G>A on transcript NM_004560.4 (MANE Select); 16 bases downstream of the stop codon, G replaced by A.
Molecular consequence: 3 prime UTR variant.
Genome position (GRCh38, 1-based): chr9:91,723,646, C>T on the plus strand (G>A on the coding strand, the complement: ROR2 is on the minus strand). VCF-style: chr9-91723646-C-T. GRCh37 (hg19) VCF-style: chr9-94485928-C-T.
Identifiers: ClinVar variation 199097 (VCV000199097.15), dbSNP rs2230578, ClinGen allele CA203749.